The following is an entry in ClinVar:

ClinVar aggregate classification (germline): Likely benign (1 of 4 stars; one submission).

Allele frequency attached by ClinVar (database versions not stated): 1000 Genomes Project 0.00040; 1000 Genomes Project 30x 0.00047; gnomAD 0.00049; ExAC 0.00050; TOPMed 0.00053; ESP Exome Variant Server 0.00085; gnomAD exomes 0.00089.
gnomAD v4.1: 1,403 of 1,614,032 alleles (0.087%); highest among the groups gnomAD compares: Non-Finnish European, 0.11%; 2 homozygotes.

Submission:

CeGaT Center for Human Genetics Tuebingen
Classification: Likely benign. Last evaluated: 2022-05-01. Review status: criteria provided, single submitter. Criteria: CeGaT Center For Human Genetics Tuebingen Variant Classification Criteria Version 2. Collection method: clinical testing. Allele origin: germline. Affected: yes. Observed: 1 variant allele.
Comment: CDC20B: BP4, BP7

NM_001170402.1(CDC20B):c.339A>G (p.Lys113=)

Gene: CDC20B (cell division cycle 20B; minus strand). Cytogenetic location: 5q11.2.
Variant type: single nucleotide variant.
Coding change: c.339A>G on transcript NM_001170402.1 (MANE Select); coding-DNA position 339, A replaced by G.
Protein change: p.Lys113=; no amino-acid change (lysine 113 retained).
Molecular consequence: synonymous variant.
Genome position (GRCh38, 1-based): chr5:55,146,644, T>C on the plus strand (A>G on the coding strand, the complement: CDC20B is on the minus strand). VCF-style: chr5-55146644-T-C. GRCh37 (hg19) VCF-style: chr5-54442472-T-C.
Other names: c.339A>G, p.Lys113= (NM_001145734.2, NM_152623.2).
Identifiers: ClinVar variation 2655462 (VCV002655462.24), dbSNP rs150714957, ClinGen allele CA3266232.